The following is an entry in ClinVar:

NM_003743.5(NCOA1):c.1180A>G (p.Ile394Val)

Gene: NCOA1 (nuclear receptor coactivator 1; plus strand). Cytogenetic location: 2p23.3.
Variant type: single nucleotide variant.
Coding change: c.1180A>G on transcript NM_003743.5 (MANE Select); coding-DNA position 1180, A replaced by G.
Protein change: p.Ile394Val; replaces isoleucine 394 with valine.
Molecular consequence: missense variant.
Genome position (GRCh38, 1-based): chr2:24,706,650, A>G. VCF-style: chr2-24706650-A-G. GRCh37 (hg19) VCF-style: chr2-24929519-A-G.
Other names: c.1180A>G, p.Ile394Val (NM_147223.3, NM_147233.2, NM_001362950.1 and 3 more transcripts); short protein forms I394V.
Identifiers: ClinVar variation 3355063 (VCV003355063.2).

ClinVar aggregate classification (germline): Uncertain significance (1 of 4 stars; one submission).

Conditions:
NCOA1-related disorder. Also called: NCOA1-related condition.

gnomAD v4.1: 5 of 1,614,094 alleles (0.00031%); highest among the groups gnomAD compares: Non-Finnish European, 0.00042%; no homozygotes.

Submission:

PreventionGenetics, part of Exact Sciences
Classification: Uncertain significance for NCOA1-related condition. Last evaluated: 2026-05-26. Review status: criteria provided, single submitter. Criteria: ACMG Guidelines, 2015. Collection method: clinical testing. Allele origin: germline.
Comment: The NCOA1 c.1180A>G variant is predicted to result in the amino acid substitution p.Ile394Val. To our knowledge, this variant has not been reported in the literature or in a large population database, indicating this variant is rare. At this time, the clinical significance of this variant is uncertain due to the absence of conclusive functional and genetic evidence.